The following is an entry in ClinVar:

ClinVar aggregate classification (germline): Likely pathogenic (1 of 4 stars; one submission).

Conditions:
Epidermolysis bullosa, junctional 7, with interstitial lung disease and nephrotic syndrome. Also called: Interstitial Lung Disease with Nephrotic Syndrome and Epidermolysis Bullosa; Interstitial lung disease, nephrotic syndrome, and epidermolysis bullosa, congenital. Identifiers: Orphanet 306504, MedGen C4518785, MONDO:0013881, OMIM 614748.

Submission:

Juno Genomics, Hangzhou Juno Genomics, Inc
Classification: Likely pathogenic for Epidermolysis bullosa, junctional 7, with interstitial lung disease and nephrotic syndrome. Review status: criteria provided, single submitter. Criteria: ACMG Guidelines, 2015. Collection method: clinical testing. Allele origin: germline. Affected: yes.
Comment: Absent from controls (or at extremely low frequency if recessive) in Genome Aggregation Database, Exome Sequencing Project, 1000 Genomes Project, or Exome Aggregation Consortium.;Multiple lines of computational evidence support a deleterious effect on the gene or gene product (conservation, evolutionary, splicing impact, etc).;For recessive disorders, detected in trans with a pathogenic variant.

NM_002204.4(ITGA3):c.1133A>T (p.Asp378Val)

Gene: ITGA3 (integrin subunit alpha 3; plus strand). Cytogenetic location: 17q21.33.
Variant type: single nucleotide variant.
Coding change: c.1133A>T on transcript NM_002204.4 (MANE Select); coding-DNA position 1133, A replaced by T.
Protein change: p.Asp378Val; replaces aspartic acid 378 with valine.
Molecular consequence: missense variant.
Genome position (GRCh38, 1-based): chr17:50,072,159, A>T. VCF-style: chr17-50072159-A-T. GRCh37 (hg19) VCF-style: chr17-48149523-A-T.
Other names: short protein forms D378V.
Identifiers: ClinVar variation 3382049 (VCV003382049.2).